The following is an entry in ClinVar:

NM_206933.4(USH2A):c.452C>G (p.Ala151Gly)

Gene: USH2A (usherin; minus strand). Cytogenetic location: 1q41.
Variant type: single nucleotide variant.
Coding change: c.452C>G on transcript NM_206933.4 (MANE Select); coding-DNA position 452, C replaced by G.
Protein change: p.Ala151Gly; replaces alanine 151 with glycine.
Molecular consequence: missense variant.
Genome position (GRCh38, 1-based): chr1:216,421,885, G>C on the plus strand (C>G on the coding strand, the complement: USH2A is on the minus strand). VCF-style: chr1-216421885-G-C. GRCh37 (hg19) VCF-style: chr1-216595227-G-C.
Other names: c.452C>G, p.Ala151Gly (NM_007123.6); short protein forms A151G.
Identifiers: ClinVar variation 1061135 (VCV001061135.4), dbSNP rs1374492311, ClinGen allele CA344903754.

ClinVar aggregate classification (germline): Uncertain significance (1 of 4 stars; one submission).

Allele frequency attached by ClinVar (database versions not stated): gnomAD exomes below 0.00001; TOPMed below 0.00001.
gnomAD v4.1: 1 of 1,613,930 alleles (0.000062%); highest among the groups gnomAD compares: Non-Finnish European, 0.000085%; no homozygotes.

Submission:

Labcorp Genetics (formerly Invitae), Labcorp
Classification: Uncertain significance. Last evaluated: 2022-09-13. Review status: criteria provided, single submitter. Criteria: Invitae Variant Classification Sherloc (09022015). Collection method: clinical testing. Allele origin: germline.
Comment: This sequence change replaces alanine, which is neutral and non-polar, with glycine, which is neutral and non-polar, at codon 151 of the USH2A protein (p.Ala151Gly). This variant is not present in population databases (gnomAD no frequency). This variant has not been reported in the literature in individuals affected with USH2A-related conditions. ClinVar contains an entry for this variant (Variation ID: 1061135). Advanced modeling of protein sequence and biophysical properties (such as structural, functional, and spatial information, amino acid conservation, physicochemical variation, residue mobility, and thermodynamic stability) has been performed at Invitae for this missense variant, however the output from this modeling did not meet the statistical confidence thresholds required to predict the impact of this variant on USH2A protein function. In summary, the available evidence is currently insufficient to determine the role of this variant in disease. Therefore, it has been classified as a Variant of Uncertain Significance.